The following is an entry in ClinVar:

ClinVar aggregate classification (germline): Uncertain significance. Review status: criteria provided, multiple submitters, no conflicts (2 of 4 stars). 2 submissions from 2 submitters: Uncertain significance (2). Last evaluated 2026-03-01.

Allele frequency attached by ClinVar (database versions not stated): ESP Exome Variant Server 0.00008.
gnomAD v4.1: 108 of 1,613,946 alleles (0.0067%); highest among the groups gnomAD compares: Non-Finnish European, 0.0086%; no homozygotes.

Submissions (2):

CeGaT Center for Human Genetics Tuebingen
Classification: Uncertain significance. Last evaluated: 2026-03-01. Review status: criteria provided, single submitter. Criteria: CeGaT Center For Human Genetics Tuebingen Variant Classification Criteria Version 2. Collection method: clinical testing. Allele origin: germline. Affected: yes. Observed: 1 variant allele.
Comment: TP53BP1: PM2

Ambry Genetics
Classification: Uncertain significance. Last evaluated: 2023-12-15. Review status: criteria provided, single submitter. Criteria: Ambry Variant Classification Scheme 2023. Collection method: clinical testing. Allele origin: germline.

NM_001141980.3(TP53BP1):c.3026A>G (p.Gln1009Arg)

Gene: TP53BP1 (tumor protein p53 binding protein 1; minus strand). Cytogenetic location: 15q15.3.
Variant type: single nucleotide variant.
Coding change: c.3026A>G on transcript NM_001141980.3 (MANE Select); coding-DNA position 3026, A replaced by G.
Protein change: p.Gln1009Arg; replaces glutamine 1009 with arginine.
Molecular consequence: missense variant.
Genome position (GRCh38, 1-based): chr15:43,446,401, T>C on the plus strand (A>G on the coding strand, the complement: TP53BP1 is on the minus strand). VCF-style: chr15-43446401-T-C. GRCh37 (hg19) VCF-style: chr15-43738599-T-C.
Other names: c.146A>G, p.Gln49Arg (NM_001355001.2); c.3026A>G, p.Gln1009Arg (NM_001411050.1, NM_001141979.3); c.3011A>G, p.Gln1004Arg (NM_005657.4); short protein forms Q1004R, Q1009R, Q49R.
Identifiers: ClinVar variation 3181391 (VCV003181391.5), dbSNP rs374254249, ClinGen allele CA7525049.
Genomic context (GRCh38, chr15:43,446,401, plus strand): 5'-AGATAATCTGCAGCTACTAATTACCCAAGATTAACATAAAACTTACTTTCCAGGTTGAAC[T>C]GCAAAGACTCTTCACTCGCCTCAGTCTCAGGACTAACCAGTTTCATTCTTAGACATAATT-3'
Protein context (NP_001135452.1, residues 999-1019): PETEASEESL[Gln1009Arg]FNLEKPATGE